The following is an entry in ClinVar:

NM_006361.6(HOXB13):c.141C>T (p.Asn47=)

Gene: HOXB13 (homeobox B13; minus strand). Cytogenetic location: 17q21.32.
Variant type: single nucleotide variant.
Coding change: c.141C>T on transcript NM_006361.6 (MANE Select); coding-DNA position 141, C replaced by T.
Protein change: p.Asn47=; no amino-acid change (asparagine 47 retained).
Molecular consequence: synonymous variant.
Genome position (GRCh38, 1-based): chr17:48,728,453, G>A on the plus strand (C>T on the coding strand, the complement: HOXB13 is on the minus strand). VCF-style: chr17-48728453-G-A. GRCh37 (hg19) VCF-style: chr17-46805815-G-A.
Identifiers: ClinVar variation 2068314 (VCV002068314.6), dbSNP rs774872614, ClinGen allele CA8634056.

ClinVar aggregate classification (germline): Benign/Likely benign. Review status: criteria provided, multiple submitters, no conflicts (2 of 4 stars). 3 submissions from 3 submitters: Benign (1); Likely benign (2). Last evaluated 2024-10-29.

Conditions:
Prostate cancer, hereditary, 9 (HPC9). Identifiers: Orphanet 1331, MedGen C1970250, MONDO:0012597, OMIM 610997.
Hereditary cancer-predisposing syndrome. Also called: Neoplastic Syndromes, Hereditary; Hereditary Cancer Syndrome; Tumor predisposition; Hereditary neoplastic syndrome. Identifiers: Orphanet 140162, MedGen C0027672, MeSH D009386, MONDO:0015356.

Allele frequency attached by ClinVar (database versions not stated): gnomAD exomes below 0.00001; ExAC 0.00001.

Submissions (3):

Myriad Genetics, Inc.
Classification: Benign for Prostate cancer, hereditary, 9. Last evaluated: 2024-10-29. Review status: criteria provided, single submitter. Criteria: Myriad Autosomal Dominant, Autosomal Recessive and X-Linked Classification Criteria (2023). Collection method: clinical testing. Allele origin: unknown.
Comment: This variant is considered benign. This variant is a silent/synonymous amino acid change and it is not expected to impact splicing.

Ambry Genetics
Classification: Likely benign for Hereditary cancer-predisposing syndrome. Last evaluated: 2024-09-15. Review status: criteria provided, single submitter. Criteria: Ambry Variant Classification Scheme 2023. Collection method: clinical testing. Allele origin: germline.

Labcorp Genetics (formerly Invitae), Labcorp
Classification: Likely benign. Last evaluated: 2023-06-17. Review status: criteria provided, single submitter. Criteria: Invitae Variant Classification Sherloc (09022015). Collection method: clinical testing. Allele origin: germline.